The following is an entry in ClinVar:

NM_199420.4(POLQ):c.3968A>T (p.Tyr1323Phe)

Gene: POLQ (DNA polymerase theta; minus strand). Cytogenetic location: 3q13.33.
Variant type: single nucleotide variant.
Coding change: c.3968A>T on transcript NM_199420.4 (MANE Select); coding-DNA position 3968, A replaced by T.
Protein change: p.Tyr1323Phe; replaces tyrosine 1323 with phenylalanine.
Molecular consequence: missense variant.
Genome position (GRCh38, 1-based): chr3:121,488,963, T>A on the plus strand (A>T on the coding strand, the complement: POLQ is on the minus strand). VCF-style: chr3-121488963-T-A. GRCh37 (hg19) VCF-style: chr3-121207810-T-A.
Other names: short protein forms Y1323F.
Identifiers: ClinVar variation 3308511 (VCV003308511.1).

ClinVar aggregate classification (germline): Uncertain significance (1 of 4 stars; one submission).

gnomAD v4.1: 6 of 1,613,848 alleles (0.00037%); highest among the groups gnomAD compares: Non-Finnish European, 0.00034%; no homozygotes.

Submission:

Ambry Genetics
Classification: Uncertain significance. Last evaluated: 2024-05-04. Review status: criteria provided, single submitter. Criteria: Ambry Variant Classification Scheme 2023. Collection method: clinical testing. Allele origin: germline.
Comment: The p.Y1323F variant (also known as c.3968A>T), located in coding exon 16 of the POLQ gene, results from an A to T substitution at nucleotide position 3968. The tyrosine at codon 1323 is replaced by phenylalanine, an amino acid with highly similar properties. This amino acid position is conserved. In addition, this alteration is predicted to be tolerated by in silico analysis. Based on the available evidence, the clinical significance of this variant remains unclear.